The following is an entry in ClinVar:

ClinVar aggregate classification (germline): Uncertain significance (1 of 4 stars; one submission).

Conditions:
Cardiovascular phenotype. Identifiers: MedGen CN230736.

Allele frequency attached by ClinVar (database versions not stated): TOPMed below 0.00001; gnomAD exomes 0.00001; ExAC 0.00002.
gnomAD v4.1: 16 of 1,613,522 alleles (0.00099%); highest among the groups gnomAD compares: Non-Finnish European, 0.0014%; no homozygotes.

Submission:

Ambry Genetics
Classification: Uncertain significance for Cardiovascular phenotype. Last evaluated: 2019-04-12. Review status: criteria provided, single submitter. Criteria: Ambry Variant Classification Scheme 2023. Collection method: clinical testing. Allele origin: germline.
Comment: The p.E14105D variant (also known as c.42315A>C), located in coding exon 152 of the TTN gene, results from an A to C substitution at nucleotide position 42315. The glutamic acid at codon 14105 is replaced by aspartic acid, an amino acid with highly similar properties. This amino acid position is well conserved in available vertebrate species; however, aspartic acid is the reference amino acid in other vertebrate species. In addition, this alteration is predicted to be tolerated by in silico analysis. Since supporting evidence is limited at this time, the clinical significance of this alteration remains unclear.

NM_001267550.2(TTN):c.69510A>C (p.Glu23170Asp)

Genes: TTN (titin; minus strand), TTN-AS1 (TTN antisense RNA 1; plus strand). Cytogenetic location: 2q31.2.
Variant type: single nucleotide variant.
Coding change: c.69510A>C on transcript NM_001267550.2 (MANE Select); coding-DNA position 69510, A replaced by C.
Protein change: p.Glu23170Asp; replaces glutamic acid 23170 with aspartic acid.
Molecular consequence: missense variant.
Genome position (GRCh38, 1-based): chr2:178,576,734, T>G on the plus strand (A>C on the coding strand, the complement: TTN is on the minus strand). VCF-style: chr2-178576734-T-G. GRCh37 (hg19) VCF-style: chr2-179441461-T-G.
Other names: c.64587A>C, p.Glu21529Asp (NM_001256850.1); c.42315A>C, p.Glu14105Asp (NM_003319.4); c.61806A>C, p.Glu20602Asp (NM_133378.4); c.42690A>C, p.Glu14230Asp (NM_133432.3); c.42891A>C, p.Glu14297Asp (NM_133437.4); short protein forms E14105D, E14230D, E14297D, E21529D, E20602D, E23170D.
Identifiers: ClinVar variation 1738915 (VCV001738915.2), dbSNP rs760127657, ClinGen allele CA1990926.